The following is an entry in ClinVar:

ClinVar aggregate classification (germline): Likely benign (1 of 4 stars; one submission).

gnomAD v4.1: 1 of 1,614,022 alleles (0.000062%); highest among the groups gnomAD compares: Non-Finnish European, 0.000085%; no homozygotes.

Submission:

CeGaT Center for Human Genetics Tuebingen
Classification: Likely benign. Last evaluated: 2025-04-01. Review status: criteria provided, single submitter. Criteria: CeGaT Center For Human Genetics Tuebingen Variant Classification Criteria Version 2. Collection method: clinical testing. Allele origin: germline. Affected: yes. Observed: 1 variant allele.
Comment: ASCC3: BP4, BP7

NM_006828.4(ASCC3):c.3399A>C (p.Leu1133=)

Gene: ASCC3 (activating signal cointegrator 1 complex subunit 3; minus strand). Cytogenetic location: 6q16.3.
Variant type: single nucleotide variant.
Coding change: c.3399A>C on transcript NM_006828.4 (MANE Select); coding-DNA position 3399, A replaced by C.
Protein change: p.Leu1133=; no amino-acid change (leucine 1133 retained).
Molecular consequence: synonymous variant.
Genome position (GRCh38, 1-based): chr6:100,647,305, T>G on the plus strand (A>C on the coding strand, the complement: ASCC3 is on the minus strand). VCF-style: chr6-100647305-T-G. GRCh37 (hg19) VCF-style: chr6-101095181-T-G.
Identifiers: ClinVar variation 3898628 (VCV003898628.7).